The following is an entry in ClinVar:

NM_014317.5(PDSS1):c.336+119G>A

Gene: PDSS1 (decaprenyl diphosphate synthase subunit 1; plus strand). Cytogenetic location: 10p12.1.
Variant type: single nucleotide variant.
Coding change: c.336+119G>A on transcript NM_014317.5 (MANE Select); 119 bases into the intron after coding-DNA position 336, G replaced by A.
Molecular consequence: intron variant.
Genome position (GRCh38, 1-based): chr10:26,705,513, G>A. VCF-style: chr10-26705513-G-A. GRCh37 (hg19) VCF-style: chr10-26994442-G-A.
Other names: c.-258+119G>A (NM_001321979.2); c.336+119G>A (NM_001321978.2).
Identifiers: ClinVar variation 675597 (VCV000675597.1), dbSNP rs142898230, ClinGen allele CA205007468.

ClinVar aggregate classification (germline): Benign (1 of 4 stars; one submission).

Allele frequency attached by ClinVar (database versions not stated): gnomAD exomes 0.00144; gnomAD 0.01766; TOPMed 0.02058; 1000 Genomes Project 0.02296; 1000 Genomes Project 30x 0.02483.
gnomAD v4.1: 3,159 of 424,126 alleles (0.74%); highest among the groups gnomAD compares: African/African-American, 6%; 90 homozygotes.

Submission:

GeneDx
Classification: Benign. Last evaluated: 2018-06-18. Review status: criteria provided, single submitter. Criteria: GeneDx Variant Classification (06012015). Collection method: clinical testing. Allele origin: germline. Affected: yes.
Comment: This variant is considered likely benign or benign based on one or more of the following criteria: it is a conservative change, it occurs at a poorly conserved position in the protein, it is predicted to be benign by multiple in silico algorithms, and/or has population frequency not consistent with disease.